The following is an entry in ClinVar:

NM_000059.4(BRCA2):c.9256+4184T>G

Gene: BRCA2 (BRCA2 DNA repair associated; plus strand). Cytogenetic location: 13q13.1.
Variant type: single nucleotide variant.
Coding change: c.9256+4184T>G on transcript NM_000059.4 (MANE Select); 4184 bases into the intron after coding-DNA position 9256, T replaced by G.
Molecular consequence: intron variant.
Genome position (GRCh38, 1-based): chr13:32,384,329, T>G. VCF-style: chr13-32384329-T-G. GRCh37 (hg19) VCF-style: chr13-32958466-T-G.
Other names: IVS 24+4184T>G.
Identifiers: ClinVar variation 209863 (VCV000209863.1), dbSNP rs11571787, ClinGen allele CA276831.

ClinVar aggregate classification (germline): Benign (3 of 4 stars; one submission).

Conditions:
Breast-ovarian cancer, familial, susceptibility to, 2 (BROVCA2). Also called: BRCA2 Hereditary Breast and Ovarian Cancer. Identifiers: Orphanet 145, MedGen C2675520, MONDO:0012933, OMIM 612555. Disease mechanism: loss of function.

Allele frequency attached by ClinVar (database versions not stated): TOPMed 0.21390; gnomAD 0.21556 and 0.21790; 1000 Genomes Project 30x 0.22017; 1000 Genomes Project 0.22544.
gnomAD v4.1: 33,052 of 152,044 alleles (22%); highest among the groups gnomAD compares: East Asian, 39%; 3,723 homozygotes.

Submission:

Evidence-based Network for the Interpretation of Germline Mutant Alleles (ENIGMA)
Classification: Benign for Breast-ovarian cancer, familial 2. Last evaluated: 2015-01-12. Review status: reviewed by expert panel. Criteria: ENIGMA BRCA1/2 Classification Criteria (2015). Collection method: curation. Allele origin: germline.
Comment: Class 1 not pathogenic based on frequency >1% in an outbred sampleset. Frequency 0.3811 (Asian), 0.1402 (African), 0.2177 (European), derived from 1000 genomes (2012-04-30).